The following is an entry in ClinVar:

ClinVar aggregate classification (germline): Uncertain significance. Review status: criteria provided, multiple submitters, no conflicts (2 of 4 stars). 2 submissions from 2 submitters: Uncertain significance (2). Last evaluated 2025-08-15.

Allele frequency attached by ClinVar (database versions not stated): gnomAD exomes 0.00004; ExAC 0.00005; gnomAD 0.00005 and 0.00007; TOPMed 0.00005; ESP Exome Variant Server 0.00008; 1000 Genomes Project 30x 0.00016; 1000 Genomes Project 0.00020.
gnomAD v4.1: 59 of 1,605,418 alleles (0.0037%); highest among the groups gnomAD compares: Non-Finnish European, 0.0049%; no homozygotes.

Submissions (2):

Labcorp Genetics (formerly Invitae), Labcorp
Classification: Uncertain significance. Last evaluated: 2025-08-15. Review status: criteria provided, single submitter. Criteria: Invitae Variant Classification Sherloc (09022015). Collection method: clinical testing. Allele origin: germline.
Comment: This sequence change replaces serine, which is neutral and polar, with cysteine, which is neutral and slightly polar, at codon 836 of the IL12RB2 protein (p.Ser836Cys). This variant is present in population databases (rs147267211, gnomAD 0.007%). This variant has not been reported in the literature in individuals affected with IL12RB2-related conditions. ClinVar contains an entry for this variant (Variation ID: 1479833). An algorithm developed to predict the effect of missense changes on protein structure and function (PolyPhen-2) suggests that this variant is likely to be tolerated. In summary, the available evidence is currently insufficient to determine the role of this variant in disease. Therefore, it has been classified as a Variant of Uncertain Significance.

Ambry Genetics
Classification: Uncertain significance. Last evaluated: 2024-03-12. Review status: criteria provided, single submitter. Criteria: Ambry Variant Classification Scheme 2023. Collection method: clinical testing. Allele origin: germline.

NM_001374259.2(IL12RB2):c.2507C>G (p.Ser836Cys)

Gene: IL12RB2 (interleukin 12 receptor subunit beta 2; plus strand). Cytogenetic location: 1p31.3.
Variant type: single nucleotide variant.
Coding change: c.2507C>G on transcript NM_001374259.2 (MANE Select); coding-DNA position 2507, C replaced by G.
Protein change: p.Ser836Cys; replaces serine 836 with cysteine.
Molecular consequence: missense variant. On other transcripts: 3 prime UTR variant (3), non-coding transcript variant (2).
Genome position (GRCh38, 1-based): chr1:67,396,007, C>G. VCF-style: chr1-67396007-C-G. GRCh37 (hg19) VCF-style: chr1-67861690-C-G.
Other names: c.2507C>G (NM_001559.2); c.*427C>G (NM_001258214.1, NM_001319233.1); c.2249C>G, p.Ser750Cys (NM_001258215.1); c.*408C>G (NM_001258216.1); c.2507C>G, p.Ser836Cys (NM_001559.3); short protein forms S750C, S836C.
Identifiers: ClinVar variation 1479833 (VCV001479833.7), dbSNP rs147267211, ClinGen allele CA900738.
Genomic context (GRCh38, chr1:67,396,007, plus strand): 5'-CTGACTCTCTGGAAGAACTGGAGCCTCAGCACATCTCCCTTTCTGTTTTCCCCTCAAGTT[C>G]TCTTCACCCACTCACCTTCTCCTGTGGTGATAAGCTGACTCTGGATCAGTTAAAGATGAG-3'
Protein context (NP_001361188.1, residues 826-846): HISLSVFPSS[Ser836Cys]LHPLTFSCGD